The following is an entry in ClinVar:

ClinVar aggregate classification (germline): Uncertain significance (1 of 4 stars; one submission).

Conditions:
Primary ciliary dyskinesia 23 (CILD23). Also called: CILIARY DYSKINESIA, PRIMARY, 23, WITH OR WITHOUT SITUS INVERSUS. Identifiers: Orphanet 244, MedGen C3809548, MONDO:0014193, OMIM 615451.

Submission:

Labcorp Genetics (formerly Invitae), Labcorp
Classification: Uncertain significance for Primary ciliary dyskinesia 23. Last evaluated: 2024-03-04. Review status: criteria provided, single submitter. Criteria: Invitae Variant Classification Sherloc (09022015). Collection method: clinical testing. Allele origin: germline.
Comment: This sequence change replaces alanine, which is neutral and non-polar, with aspartic acid, which is acidic and polar, at codon 757 of the ARMC4 protein (p.Ala757Asp). This variant is not present in population databases (gnomAD no frequency). This variant has not been reported in the literature in individuals affected with ARMC4-related conditions. ClinVar contains an entry for this variant (Variation ID: 1681353). An algorithm developed to predict the effect of missense changes on protein structure and function (PolyPhen-2) suggests that this variant is likely to be disruptive. In summary, the available evidence is currently insufficient to determine the role of this variant in disease. Therefore, it has been classified as a Variant of Uncertain Significance.

NM_018076.5(ODAD2):c.2270C>A (p.Ala757Asp)

Gene: ODAD2 (outer dynein arm docking complex subunit 2; minus strand). Cytogenetic location: 10p12.1.
Variant type: single nucleotide variant.
Coding change: c.2270C>A on transcript NM_018076.5 (MANE Select); coding-DNA position 2270, C replaced by A.
Protein change: p.Ala757Asp; replaces alanine 757 with aspartic acid.
Molecular consequence: missense variant.
Genome position (GRCh38, 1-based): chr10:27,935,235, G>T on the plus strand (C>A on the coding strand, the complement: ODAD2 is on the minus strand). VCF-style: chr10-27935235-G-T. GRCh37 (hg19) VCF-style: chr10-28224164-G-T.
Other names: c.2270C>A, p.Ala757Asp (NM_001290020.2); c.845C>A, p.Ala282Asp (NM_001290021.2); c.1346C>A, p.Ala449Asp (NM_001312689.2); short protein forms A282D, A449D, A757D.
Identifiers: ClinVar variation 1681353 (VCV001681353.6), dbSNP rs763561367, ClinGen allele CA376391670.